The following is an entry in ClinVar:

NM_001369.3(DNAH5):c.7091del (p.Gly2364fs)

Gene: DNAH5 (dynein axonemal heavy chain 5; minus strand). Cytogenetic location: 5p15.2.
Variant type: Deletion.
Coding change: c.7091del on transcript NM_001369.3 (MANE Select); coding-DNA position 7091, one base deleted (G; older notation c.7091delG).
Protein change: p.Gly2364fs; shifts the reading frame from glycine 2364.
Molecular consequence: frameshift variant.
Genome position (GRCh38, 1-based): chr5:13,814,744, C deleted on the plus strand (G on the coding strand, the reverse complement: DNAH5 is on the minus strand); the first of 2 consecutive C bases (chr5:13,814,744-13,814,745); deleting either gives the same sequence. VCF-style (leftmost placement, unchanged base first): chr5-13814743-AC-A. GRCh37 (hg19) VCF-style: chr5-13814852-AC-A.
Other names: short protein forms G2364fs.
Identifiers: ClinVar variation 1724872 (VCV001724872.2), dbSNP rs2546825502, ClinGen allele CA2580072109.

ClinVar aggregate classification (germline): Likely pathogenic (1 of 4 stars; one submission).

Conditions:
Primary ciliary dyskinesia 3. Identifiers: Orphanet 244, MedGen C1837618, MONDO:0012085, OMIM 608644.

Submission:

Myriad Genetics, Inc.
Classification: Likely pathogenic for Primary ciliary dyskinesia 3. Last evaluated: 2022-03-02. Review status: criteria provided, single submitter. Criteria: Myriad Women's Health Autosomal Recessive and X-Linked Classification Criteria (2021). Collection method: clinical testing. Allele origin: unknown.
Comment: NM_001369.2(DNAH5):c.7091delG(G2364Vfs*35) is expected to be pathogenic in the context of DNAH5-related primary ciliary dyskinesia. This variant is predicted to lead to an abnormal or absent protein product due to the creation of a premature termination codon in DNAH5, a gene where loss-of-function variants are known to be pathogenic. Please note: this variant was assessed in the context of healthy population screening.